The following is an entry in ClinVar:

NM_024334.3(TMEM43):c.896G>C (p.Arg299Thr)

Gene: TMEM43 (transmembrane protein 43; plus strand). Cytogenetic location: 3p25.1.
Variant type: single nucleotide variant.
Coding change: c.896G>C on transcript NM_024334.3 (MANE Select); coding-DNA position 896, G replaced by C.
Protein change: p.Arg299Thr; replaces arginine 299 with threonine.
Molecular consequence: missense variant.
Genome position (GRCh38, 1-based): chr3:14,139,193, G>C. VCF-style: chr3-14139193-G-C. GRCh37 (hg19) VCF-style: chr3-14180693-G-C.
Other names: p.R299T:AGA>ACA; p.Arg299Thr; short protein forms R299T.
Identifiers: ClinVar variation 202109 (VCV000202109.44), dbSNP rs139590716, ClinGen allele CA024791.

ClinVar aggregate classification (germline): Benign/Likely benign. Review status: criteria provided, multiple submitters, no conflicts (2 of 4 stars). 12 submissions from 12 submitters: Benign (6); Likely benign (5). 1 of the submissions does not count toward it. Last evaluated 2026-02-01.

Conditions:
Auditory neuropathy, autosomal dominant 3 (AUNA3). Identifiers: MedGen C5676964, MONDO:0859235, OMIM 619832.
Arrhythmogenic right ventricular dysplasia 5. Also called: Arrhythmogenic Right Ventricular Dysplasia/Cardiomyopathy 5; ARRHYTHMOGENIC RIGHT VENTRICULAR DYSPLASIA, FAMILIAL, 5. Identifiers: MedGen C1858379, MONDO:0011459, OMIM 604400.
Emery-Dreifuss muscular dystrophy 7, autosomal dominant (EDMD7). Also called: Emery-Dreifuss muscular dystrophy 7, AD. Identifiers: Orphanet 261, MedGen C3553060, MONDO:0013677, OMIM 614302.
TMEM43-related disorder. Also called: TMEM43-related condition.
Cardiovascular phenotype. Identifiers: MedGen CN230736.
Cardiomyopathy (CMYO). Also called: Cardiomyopathies. Identifiers: Orphanet 167848, MedGen C0878544, MONDO:0004994, HP:0001638. Inheritance: Various modes of inheritance.

Allele frequency attached by ClinVar (database versions not stated): ESP Exome Variant Server 0.00008; gnomAD 0.00021 and 0.00028; TOPMed 0.00024; gnomAD exomes 0.00036 and 0.00049; ExAC 0.00053; 1000 Genomes Project 30x 0.00094; 1000 Genomes Project 0.00120.

Submissions (12):

Labcorp Genetics (formerly Invitae), Labcorp
Classification: Benign for Arrhythmogenic right ventricular dysplasia 5. Last evaluated: 2026-02-01. Review status: criteria provided, single submitter. Criteria: Invitae Variant Classification Sherloc (09022015). Collection method: clinical testing. Allele origin: germline.

Mayo Clinic Laboratories, Mayo Clinic
Classification: Likely benign. Last evaluated: 2025-09-10. Review status: criteria provided, single submitter. Criteria: ACMG Guidelines, 2015. Collection method: clinical testing. Allele origin: germline. Observed: 1 variant allele.
Comment: BS1, BP4_moderate

ARUP Laboratories, Molecular Genetics and Genomics, ARUP Laboratories
Classification: Likely benign. Last evaluated: 2025-04-11. Review status: criteria provided, single submitter. Criteria: ARUP Molecular Germline Variant Investigation Process 2024. Collection method: clinical testing. Allele origin: germline.

Molecular Diagnostic Laboratory for Inherited Cardiovascular Disease, Montreal Heart Institute
Classification: Benign. Last evaluated: 2025-04-09. Review status: criteria provided, single submitter. Criteria: ACMG Guidelines, 2015. Collection method: clinical testing. Allele origin: germline. Affected: no.

Blueprint Genetics
Classification: Likely benign. Last evaluated: 2024-10-31. Review status: criteria provided, single submitter. Criteria: ACMG Guidelines, 2015. Collection method: clinical testing. Allele origin: germline.

CeGaT Center for Human Genetics Tuebingen
Classification: Benign. Last evaluated: 2024-05-01. Review status: criteria provided, single submitter. Criteria: CeGaT Center For Human Genetics Tuebingen Variant Classification Criteria Version 2. Collection method: clinical testing. Allele origin: germline. Affected: yes. Observed: 1 variant allele.
Comment: TMEM43: BP4, BS1, BS2

Fulgent Genetics
Classification: Benign for Arrhythmogenic right ventricular dysplasia 5; Emery-Dreifuss muscular dystrophy 7, autosomal dominant; Auditory neuropathy, autosomal dominant 3. Last evaluated: 2021-08-13. Review status: criteria provided, single submitter. Criteria: ACMG Guidelines, 2015. Collection method: clinical testing. Allele origin: unknown.

Ambry Genetics
Classification: Likely benign for Cardiovascular phenotype. Last evaluated: 2019-01-18. Review status: criteria provided, single submitter. Criteria: Ambry Variant Classification Scheme 2023. Collection method: clinical testing. Allele origin: germline.

Women's Health and Genetics/Laboratory Corporation of America, LabCorp
Classification: Benign. Last evaluated: 2018-06-18. Review status: criteria provided, single submitter. Criteria: LabCorp Variant Classification Summary - May 2015. Collection method: clinical testing. Allele origin: germline.
Comment: Variant summary: TMEM43 c.896G>C (p.Arg299Thr) results in a non-conservative amino acid change in the encoded protein sequence. Three of four in-silico tools predict a benign effect of the variant on protein function (MutationTaster not captured due to low p-value). The observed variant frequency within East Asian control individuals in the gnomAD database is approximately 520-fold higher than the estimated maximal expected allele frequency for a pathogenic variant in TMEM43 causing Arrhythmia phenotype (1e-05), strongly suggesting that the variant is a benign polymorphism found primarily in populations of East Asian origin. The variant, c.896G>C, has been reported in the literature in individuals affected with Arrhythmia (Honda_2016, Liang_2011), predominantly observed with another TMEM43 variant, p.V89M (reported by ClinVar as likely benign). In addition, an unaffected mother was found to carry the variant and the V89M variant, showing a lack of cosegregation with disease (Liang_2011). To our knowledge, no experimental evidence demonstrating an impact on protein function has been reported. Three ClinVar submissions from clinical diagnostic laboratories (evaluation after 2014) cite the variant as likely benign. Based on the evidence outlined above, the variant was classified as benign.

Color Diagnostics, LLC DBA Color Health
Classification: Benign for Cardiomyopathy. Last evaluated: 2018-06-11. Review status: criteria provided, single submitter. Criteria: ACMG Guidelines, 2015. Collection method: clinical testing. Allele origin: germline.

GeneDx
Classification: Likely benign. Last evaluated: 2017-07-04. Review status: criteria provided, single submitter. Criteria: GeneDx Variant Classification (06012015). Collection method: clinical testing. Allele origin: germline. Affected: yes.
Comment: This variant is considered likely benign or benign based on one or more of the following criteria: it is a conservative change, it occurs at a poorly conserved position in the protein, it is predicted to be benign by multiple in silico algorithms, and/or has population frequency not consistent with disease.

PreventionGenetics, part of Exact Sciences
Classification: Likely benign for TMEM43-related condition. Last evaluated: 2023-12-15. Review status: no assertion criteria provided. Collection method: clinical testing. Allele origin: germline. Not counted in ClinVar's aggregate classification.
Comment: This variant is classified as likely benign based on ACMG/AMP sequence variant interpretation guidelines (Richards et al. 2015 PMID: 25741868, with internal and published modifications).

Literature cited by the submitters: PubMed 26840987 (cited by Mayo Clinic Laboratories, Mayo Clinic and Women's Health and Genetics/Laboratory Corporation of America, LabCorp); PubMed 31402444 (cited by Mayo Clinic Laboratories, Mayo Clinic); PubMed 21391237 (cited by Women's Health and Genetics/Laboratory Corporation of America, LabCorp); PubMed 23555315 (cited by Women's Health and Genetics/Laboratory Corporation of America, LabCorp); PubMed 23812740 (cited by Women's Health and Genetics/Laboratory Corporation of America, LabCorp).